The following is an entry in ClinVar:

ClinVar aggregate classification (germline): Uncertain significance (1 of 4 stars; one submission).

gnomAD v4.1: 1 of 1,613,510 alleles (0.000062%); highest among the groups gnomAD compares: Admixed American, 0.0017%; no homozygotes.

Submission:

GeneDx
Classification: Uncertain significance. Last evaluated: 2024-09-24. Review status: criteria provided, single submitter. Criteria: GeneDx Variant Classification Process June 2021. Collection method: clinical testing. Allele origin: germline. Affected: yes.
Comment: Not observed at significant frequency in large population cohorts (gnomAD); Missense variant in a gene in which most reported pathogenic variants are truncating/loss of function; Has not been previously published as pathogenic or benign to our knowledge

NM_001267550.2(TTN):c.81515A>G (p.Asp27172Gly)

Genes: TTN-AS1 (TTN antisense RNA 1; plus strand), TTN (titin; minus strand). Cytogenetic location: 2q31.2.
Variant type: single nucleotide variant.
Coding change: c.81515A>G on transcript NM_001267550.2 (MANE Select); coding-DNA position 81515, A replaced by G.
Protein change: p.Asp27172Gly; replaces aspartic acid 27172 with glycine.
Molecular consequence: missense variant.
Genome position (GRCh38, 1-based): chr2:178,564,617, T>C on the plus strand (A>G on the coding strand, the complement: TTN is on the minus strand). VCF-style: chr2-178564617-T-C. GRCh37 (hg19) VCF-style: chr2-179429344-T-C.
Other names: c.76592A>G, p.Asp25531Gly (NM_001256850.1); c.54320A>G, p.Asp18107Gly (NM_003319.4); c.73811A>G, p.Asp24604Gly (NM_133378.4); c.54695A>G, p.Asp18232Gly (NM_133432.3); c.54896A>G, p.Asp18299Gly (NM_133437.4); short protein forms D18107G, D18232G, D18299G, D24604G, D25531G, D27172G.
Identifiers: ClinVar variation 3773920 (VCV003773920.1).